The following is an entry in ClinVar:

ClinVar aggregate classification (germline): Uncertain significance. Review status: criteria provided, multiple submitters, no conflicts (2 of 4 stars). 3 submissions from 3 submitters: Uncertain significance (3). Last evaluated 2025-07-01.

Allele frequency attached by ClinVar (database versions not stated): gnomAD exomes 0.00001.
gnomAD v4.1: 13 of 1,614,096 alleles (0.00081%); highest among the groups gnomAD compares: Middle Eastern, 0.033%; no homozygotes.

Submissions (3):

CeGaT Center for Human Genetics Tuebingen
Classification: Uncertain significance. Last evaluated: 2025-07-01. Review status: criteria provided, single submitter. Criteria: CeGaT Center For Human Genetics Tuebingen Variant Classification Criteria Version 2. Collection method: clinical testing. Allele origin: germline. Affected: yes. Observed: 1 variant allele.
Comment: ANK2: PM2:Supporting, BP4

GeneDx
Classification: Uncertain significance. Last evaluated: 2023-03-03. Review status: criteria provided, single submitter. Criteria: GeneDx Variant Classification Process June 2021. Collection method: clinical testing. Allele origin: germline. Affected: yes.
Comment: Has not been previously published as pathogenic or benign to our knowledge; Not observed at significant frequency in large population cohorts (gnomAD); Located in exon 38, which is reported as being expressed in a brain-specific transcript (Otto et al, 1991; Cunha et al, 2008; Wu et al, 2015); In silico analysis supports that this missense variant does not alter protein structure/function; This variant is associated with the following publications: (PMID: 1830053, 18790697, 26109584)

Clinical Genetics Laboratory, Skane University Hospital Lund
Classification: Uncertain significance. Last evaluated: 2023-02-21. Review status: criteria provided, single submitter. Criteria: ACMG Guidelines, 2015. Collection method: clinical testing. Allele origin: germline. Affected: yes.

NM_001148.6(ANK2):c.7222G>A (p.Gly2408Arg)

Genes: ANK2 (ankyrin 2; plus strand), LOC126807137 (CDK7 strongly-dependent group 2 enhancer GRCh37_chr4:114276560-114277759; plus strand). Cytogenetic location: 4q26.
Variant type: single nucleotide variant.
Coding change: c.7222G>A on transcript NM_001148.6 (MANE Select); coding-DNA position 7222, G replaced by A.
Protein change: p.Gly2408Arg; replaces glycine 2408 with arginine.
Molecular consequence: missense variant. On other transcripts: intron variant (68).
Genome position (GRCh38, 1-based): chr4:113,355,840, G>A. VCF-style: chr4-113355840-G-A. GRCh37 (hg19) VCF-style: chr4-114276996-G-A.
Other names: c.6988G>A, p.Gly2330Arg (NM_001386142.1); c.3622G>A, p.Gly1208Arg (NM_001386166.1); c.7363G>A, p.Gly2455Arg (NM_001386174.1); c.7339G>A, p.Gly2447Arg (NM_001386175.1); c.4412-4983G>A (NM_001386186.2, NM_001386148.2); c.4214-4983G>A (NM_001354269.3); c.4292-4983G>A (NM_001386187.2); c.4253-4983G>A (NM_001386147.1); and 35 more; short protein forms G1208R, G2330R, G2408R, G2447R, G2455R.
Identifiers: ClinVar variation 2578299 (VCV002578299.10), dbSNP rs1425883025, ClinGen allele CA357929880.
Genomic context (GRCh38, chr4:113,355,840, plus strand): 5'-TCTGTAAAGACAGATACAGGAACTGAATCAAAACCTCAGGGAGTCATTAGAAGTCCCCAA[G>A]GGTTAGAACTTGCACTCCCTAGCCGAGATAGCGAAGTCCTCAGCGCTGTGGCTGATGACT-3'
Protein context (NP_001139.3, residues 2398-2418): KPQGVIRSPQ[Gly2408Arg]LELALPSRDS